The following is an entry in ClinVar:

ClinVar aggregate classification (germline): Uncertain significance. Review status: criteria provided, multiple submitters, no conflicts (2 of 4 stars). 3 submissions from 3 submitters: Uncertain significance (3). Last evaluated 2025-04-24.

Conditions:
Myoclonic dystonia 11 (DYT11). Also called: DYT-SGCE; Myoclonic dystonia; Dystonia 11; Dystonia, alcohol responsive; Hereditary essential myoclonus; SGCE Myoclonus-Dystonia. Identifiers: Orphanet 36899, MedGen C1834570, MONDO:0008044, OMIM 159900.
Inborn genetic diseases. Identifiers: MedGen C0950123, MeSH D030342.

gnomAD v4.1: 10 of 1,605,680 alleles (0.00062%); highest among the groups gnomAD compares: East Asian, 0.0022%; no homozygotes.

Submissions (3):

Ambry Genetics
Classification: Uncertain significance for Inborn genetic diseases. Last evaluated: 2025-04-24. Review status: criteria provided, single submitter. Criteria: Ambry Variant Classification Scheme 2023. Collection method: clinical testing. Allele origin: germline.

Labcorp Genetics (formerly Invitae), Labcorp
Classification: Uncertain significance for Myoclonic dystonia 11. Last evaluated: 2024-08-31. Review status: criteria provided, single submitter. Criteria: Invitae Variant Classification Sherloc (09022015). Collection method: clinical testing. Allele origin: germline.
Comment: This sequence change replaces threonine, which is neutral and polar, with isoleucine, which is neutral and non-polar, at codon 138 of the SGCE protein (p.Thr138Ile). This variant is present in population databases (rs777335847, gnomAD 0.002%). This variant has not been reported in the literature in individuals affected with SGCE-related conditions. ClinVar contains an entry for this variant (Variation ID: 2499049). Invitae Evidence Modeling of protein sequence and biophysical properties (such as structural, functional, and spatial information, amino acid conservation, physicochemical variation, residue mobility, and thermodynamic stability) has been performed for this missense variant. However, the output from this modeling did not meet the statistical confidence thresholds required to predict the impact of this variant on SGCE protein function. In summary, the available evidence is currently insufficient to determine the role of this variant in disease. Therefore, it has been classified as a Variant of Uncertain Significance.

CeGaT Center for Human Genetics Tuebingen
Classification: Uncertain significance. Last evaluated: 2023-03-01. Review status: criteria provided, single submitter. Criteria: CeGaT Center For Human Genetics Tuebingen Variant Classification Criteria Version 2. Collection method: clinical testing. Allele origin: germline. Affected: yes. Observed: 1 variant allele.
Comment: SGCE: PP3

NM_003919.3(SGCE):c.413C>T (p.Thr138Ile)

Genes: CASD1 (CAS1 domain sialic acid O acetyltransferase 1; plus strand), SGCE (sarcoglycan epsilon; minus strand). Cytogenetic location: 7q21.3.
Variant type: single nucleotide variant.
Coding change: c.413C>T on transcript NM_003919.3 (MANE Select); coding-DNA position 413, C replaced by T.
Protein change: p.Thr138Ile; replaces threonine 138 with isoleucine.
Molecular consequence: missense variant.
Genome position (GRCh38, 1-based): chr7:94,623,375, G>A on the plus strand (C>T on the coding strand, the complement: SGCE is on the minus strand). VCF-style: chr7-94623375-G-A. GRCh37 (hg19) VCF-style: chr7-94252687-G-A.
Other names: c.413C>T, p.Thr138Ile (NM_001099400.2, NM_001099401.2, NM_001346717.2); c.290C>T, p.Thr97Ile (NM_001301139.2, NM_001362809.2); c.521C>T, p.Thr174Ile (NM_001346713.2, NM_001346715.2); c.326C>T, p.Thr109Ile (NM_001346719.2, NM_001362807.2); c.140C>T, p.Thr47Ile (NM_001346720.2, NM_001362808.2); c.413C>T (NM_003919.2); short protein forms T109I, T138I, T174I, T47I, T97I.
Identifiers: ClinVar variation 2499049 (VCV002499049.30), dbSNP rs777335847, ClinGen allele CA4348808.
Genomic context (GRCh38, chr7:94,623,375, plus strand): 5'-TCATACCTACCTTCTGCAGACATTATATTAATTATCAAATTATGCCTTGCAGTCTCAAAG[G>A]TGCGCCTGTTGTAGGCAGTTATCTATTATAAAAGGAAAACCATATTAAAGAAGTGAAATG-3'
Protein context (NP_003910.1, residues 128-148): IIEITAYNRR[Thr138Ile]FETARHNLII